The following is an entry in ClinVar:

ClinVar aggregate classification (germline): Pathogenic. Review status: criteria provided, multiple submitters, no conflicts (2 of 4 stars). 2 submissions from 2 submitters: Pathogenic (2). Last evaluated 2024-12-02.

Conditions:
CFTR-related disorder (CFTR-RD). Also called: CFTR-related disorders; CFTR-related condition. Identifiers: MedGen C5924204, MONDO:7770004.
Cystic fibrosis (CF). Also called: MUCOVISCIDOSIS. Identifiers: Orphanet 586, MedGen C0010674, MONDO:0009061, OMIM 219700. Disease mechanism: loss of function.

Submissions (2):

Labcorp Genetics (formerly Invitae), Labcorp
Classification: Pathogenic for Cystic fibrosis. Last evaluated: 2024-12-02. Review status: criteria provided, single submitter. Criteria: Invitae Variant Classification Sherloc (09022015). Collection method: clinical testing. Allele origin: germline.
Comment: This variant results in the deletion of part of exon 5 (c.578_579+5del) of the CFTR gene. It is expected to disrupt RNA splicing. Variants that disrupt the donor or acceptor splice site typically lead to a loss of protein function (PMID: 16199547), and loss-of-function variants in CFTR are known to be pathogenic (PMID: 1695717, 7691345, 9725922). This variant is not present in population databases (gnomAD no frequency). This variant has been observed in individuals with cystic fibrosis (internal data). ClinVar contains an entry for this variant (Variation ID: 54008). For these reasons, this variant has been classified as Pathogenic.

Natera, Inc.
Classification: Pathogenic for CFTR-related disorders. Last evaluated: 2024-11-13. Review status: criteria provided, single submitter. Criteria: Natera Variant Classification Schema (03/2026). Collection method: clinical testing. Allele origin: germline.
Comment: The c.578_579+5delAAGTATG variant in CFTR is a frameshift variant predicted to shift the reading frame and introduce a stop codon. This variant is expected to result in nonsense mediated decay, truncation, or a dysfunctional protein product. This variant is rare in the general population with a frequency below the threshold expected for the associated phenotype(s). Another variant at this same site results in an alteration predicted to cause a similar molecular effect has been observed in individual(s) with the associated phenotype. Given the available evidence, this variant is classified as Pathogenic.

Literature cited by the submitters: PubMed 16199547 (cited by Labcorp Genetics (formerly Invitae), Labcorp); PubMed 1695717 (cited by Labcorp Genetics (formerly Invitae), Labcorp); PubMed 7691345 (cited by Labcorp Genetics (formerly Invitae), Labcorp); PubMed 9725922 (cited by Labcorp Genetics (formerly Invitae), Labcorp).

NM_000492.4(CFTR):c.578_579+5del

Gene: CFTR (CF transmembrane conductance regulator; plus strand). Cytogenetic location: 7q31.2.
Variant type: Deletion.
Coding change: c.578_579+5del on transcript NM_000492.4 (MANE Select); coding-DNA position 578 through 5 bases into the intron after coding-DNA position 579, 7 bases deleted (AAGTATG; older notation c.578_579+5delAAGTATG).
Molecular consequence: splice donor variant.
Genome position (GRCh38, 1-based): chr7:117,534,364-117,534,370, AAGTATG deleted; deleting any 7 consecutive bases within chr7:117,534,361-117,534,370 gives the same sequence; the c. name uses the placement nearest the transcript's 3' end. VCF-style (leftmost placement, unchanged base first): chr7-117534360-GATGAAGT-G. GRCh37 (hg19) VCF-style: chr7-117174414-GATGAAGT-G.
Other names: c.578_579+5delAAGTATG (NM_000492.3).
Identifiers: ClinVar variation 54008 (VCV000054008.7), dbSNP rs397508760, ClinGen allele CA327579.